The following is an entry in ClinVar:

ClinVar aggregate classification (germline): Conflicting classifications of pathogenicity. Review status: criteria provided, conflicting classifications (1 of 4 stars). 4 submissions from 4 submitters: Uncertain significance (1); Likely benign (3). Last evaluated 2025-03-04.

Conditions:
Hereditary breast ovarian cancer syndrome. Also called: Hereditary breast and ovarian cancer syndrome; Breast and ovarian cancer; Hereditary breast and ovarian cancer syndrome (HBOC); Hereditary breast and/or ovarian cancer syndrome; BRCA1- and BRCA2-Associated Hereditary Breast and Ovarian Cancer; Hereditary breast and ovarian cancer. Identifiers: Orphanet 145, MedGen C0677776, MeSH D061325, MONDO:0003582. Disease mechanism: loss of function.
Hereditary cancer-predisposing syndrome. Also called: Neoplastic Syndromes, Hereditary; Hereditary neoplastic syndrome; Hereditary Cancer Syndrome; Tumor predisposition. Identifiers: Orphanet 140162, MedGen C0027672, MeSH D009386, MONDO:0015356.

Allele frequency attached by ClinVar (database versions not stated): gnomAD exomes below 0.00001.
gnomAD v4.1: 4 of 1,614,118 alleles (0.00025%); highest among the groups gnomAD compares: Non-Finnish European, 0.00034%; no homozygotes.

Submissions (5):

Center for Genomic Medicine, Rigshospitalet, Copenhagen University Hospital
Classification: Likely benign. Last evaluated: 2025-03-04. Review status: criteria provided, single submitter. Criteria: ACMG Guidelines, 2015. Collection method: clinical testing. Allele origin: germline.

Labcorp Genetics (formerly Invitae), Labcorp
Classification: Likely benign for Hereditary breast ovarian cancer syndrome. Last evaluated: 2025-02-12. Review status: criteria provided, single submitter. Criteria: Invitae Variant Classification Sherloc (09022015). Collection method: clinical testing. Allele origin: germline.

Ambry Genetics
Classification: Likely benign for Hereditary cancer-predisposing syndrome. Last evaluated: 2019-02-18. Review status: criteria provided, single submitter. Criteria: Ambry Variant Classification Scheme 2023. Collection method: clinical testing. Allele origin: germline.

GeneDx
Classification: Uncertain significance. Last evaluated: 2016-06-19. Review status: criteria provided, single submitter. Criteria: GeneDx Variant Classification (06012015). Collection method: clinical testing. Allele origin: germline. Affected: yes.
Comment: This variant is denoted BRCA1 c.5106A>G at the DNA level. This variant is silent at the coding level, preserving a Lysine at codon 1702. This variant has not, to our knowledge, been published in the literature as being pathogenic or benign. BRCA1 c.5106A>G was not observed in approximately 6,500 individuals of European and African American ancestry in the NHLBI Exome Sequencing Project, suggesting it is not a common benign variant in these populations.The nucleotide which is altered, an adenine (A) at base 5106, is not conserved. In silico splicing models are uninformative. Therefore, based on currently available information, it is unclear whether BRCA1 c.5106A>G is a pathogenic or benign variant. We consider it to be a variant of uncertain significance.

Brotman Baty Institute, University of Washington
No classification provided (evidence only). Condition: Breast-ovarian cancer, familial 1. Review status: no classification provided. Collection method: in vitro. Allele origin: not applicable. Functional consequence: functionally_normal. Not counted in ClinVar's aggregate classification.
ClinVar note: "not provided" was previously submitted as the classification for the variant. However, the classification appeared to be based only on an observation of functional data so it was converted to no classification on 2025-07-30.

NM_007294.4(BRCA1):c.5106A>G (p.Lys1702=)

Gene: BRCA1 (BRCA1 DNA repair associated; minus strand). Cytogenetic location: 17q21.31.
Variant type: single nucleotide variant.
Coding change: c.5106A>G on transcript NM_007294.4 (MANE Select); coding-DNA position 5106, A replaced by G.
Protein change: p.Lys1702=; no amino-acid change (lysine 1702 retained).
Molecular consequence: synonymous variant. On other transcripts: intron variant (2).
Genome position (GRCh38, 1-based): chr17:43,063,920, T>C on the plus strand (A>G on the coding strand, the complement: BRCA1 is on the minus strand). VCF-style: chr17-43063920-T-C. GRCh37 (hg19) VCF-style: chr17-41215937-T-C.
Other names: c.5022A>G, p.Lys1674= (NM_001407659.1, NM_001407660.1, NM_001407661.1 and 2 more transcripts); c.4983A>G, p.Lys1661= (NM_001407664.1, NM_001407665.1, NM_001407666.1 and 6 more transcripts); c.4980A>G, p.Lys1660= (NM_001407670.1, NM_001407671.1, NM_001407672.1 and 10 more transcripts); c.4977A>G, p.Lys1659= (NM_001407681.1, NM_001407682.1, NM_001407683.1 and 6 more transcripts); c.5106A>G, p.Lys1702= (NM_001407684.1, NM_001407854.1, NM_001407593.1 and 7 more transcripts); c.4974A>G, p.Lys1658= (NM_001407690.1, NM_001407691.1); c.4965A>G, p.Lys1655= (NM_001407692.1, NM_001407694.1, NM_001407695.1 and 13 more transcripts); c.4962A>G, p.Lys1654= (NM_001407732.1, NM_001407733.1, NM_001407734.1 and 21 more transcripts); and 73 more.
Identifiers: ClinVar variation 415579 (VCV000415579.21), dbSNP rs1060504574, ClinGen allele CA16615748.
Genomic context (GRCh38, chr17:43,063,920, plus strand): 5'-AGTATTATACTTACAGAAATAGCTAACTACCCATTTTCCTCCCGCAATTCCTAGAAAATA[T>C]TTCAGTGTCCGTTCACACACAAACTCAGCATCTGCAGAATGAAAAACACTCAAAGGATTA-3'
Protein context (NP_009225.1, residues 1692-1712): DAEFVCERTL[Lys1702=]YFLGIAGGKW